The following is an entry in ClinVar:

ClinVar aggregate classification (germline): Pathogenic/Likely pathogenic. Review status: criteria provided, multiple submitters, no conflicts (2 of 4 stars). 3 submissions from 3 submitters: Pathogenic (2); Likely pathogenic (1). Last evaluated 2026-06-25.

Conditions:
Polycystic kidney disease 4 (PKD4). Also called: Autosomal Recessive Polycystic Kidney Disease – PKHD1; POLYCYSTIC KIDNEY AND HEPATIC DISEASE 1; POLYCYSTIC KIDNEY DISEASE, INFANTILE, TYPE I; PKD3; POLYCYSTIC KIDNEY DISEASE 4 WITH OR WITHOUT POLYCYSTIC LIVER DISEASE. Identifiers: MedGen C4540575, MONDO:0033004, OMIM 263200.
Autosomal recessive polycystic kidney disease (ARPKD). Also called: AR polycystic kidney disease. Identifiers: Orphanet 731, Orphanet 8378, MedGen C0085548, MeSH D017044, MONDO:0009889.

Submissions (3):

Myriad Genetics, Inc.
Classification: Pathogenic for Polycystic kidney disease 4. Last evaluated: 2026-06-25. Review status: criteria provided, single submitter. Criteria: Myriad Autosomal Dominant, Autosomal Recessive and X-Linked Classification Criteria (2023). Collection method: clinical testing. Allele origin: unknown.
Comment: NM_138694.3(PKHD1):c.11475G>A(W3825*) is expected to be pathogenic in the context of autosomal recessive polycystic kidney disease, PKHD1-related. This variant is predicted to lead to an abnormal or absent protein product due to the creation of a premature termination codon in PKHD1, a gene where loss-of-function variants are known to be pathogenic. Please note: this variant was assessed in the context of healthy population screening.

Natera, Inc.
Classification: Likely pathogenic for Autosomal recessive polycystic kidney disease. Last evaluated: 2025-04-03. Review status: criteria provided, single submitter. Criteria: Natera Variant Classification Schema (03/2026). Collection method: clinical testing. Allele origin: germline.
Comment: The c.11475G>A variant in PKHD1 is a nonsense variant predicted to introduce a stop codon at amino acid 3825. This variant is expected to result in nonsense mediated decay, truncation, or a dysfunctional protein product. This variant is rare in the general population with a frequency below the threshold expected for the associated phenotype(s). Given the available evidence, this variant is classified as Likely Pathogenic.

Labcorp Genetics (formerly Invitae), Labcorp
Classification: Pathogenic for Autosomal recessive polycystic kidney disease. Last evaluated: 2022-12-14. Review status: criteria provided, single submitter. Criteria: Invitae Variant Classification Sherloc (09022015). Collection method: clinical testing. Allele origin: germline.
Comment: For these reasons, this variant has been classified as Pathogenic. Algorithms developed to predict the effect of sequence changes on RNA splicing suggest that this variant may disrupt the consensus splice site. ClinVar contains an entry for this variant (Variation ID: 847108). This variant has not been reported in the literature in individuals affected with PKHD1-related conditions. This variant is not present in population databases (gnomAD no frequency). This sequence change creates a premature translational stop signal (p.Trp3825*) in the PKHD1 gene. It is expected to result in an absent or disrupted protein product. Loss-of-function variants in PKHD1 are known to be pathogenic (PMID: 19940839).

Literature cited by the submitters: PubMed 19940839 (cited by Labcorp Genetics (formerly Invitae), Labcorp).

NM_138694.4(PKHD1):c.11475G>A (p.Trp3825Ter)

Gene: PKHD1 (PKHD1 ciliary IPT domain containing fibrocystin/polyductin; minus strand). Cytogenetic location: 6p12.3.
Variant type: single nucleotide variant.
Coding change: c.11475G>A on transcript NM_138694.4 (MANE Select); coding-DNA position 11475, G replaced by A.
Protein change: p.Trp3825Ter; replaces tryptophan 3825 with a stop codon.
Molecular consequence: nonsense.
Genome position (GRCh38, 1-based): chr6:51,638,880, C>T on the plus strand (G>A on the coding strand, the complement: PKHD1 is on the minus strand). VCF-style: chr6-51638880-C-T. GRCh37 (hg19) VCF-style: chr6-51503678-C-T.
Other names: short protein forms W3825*.
Identifiers: ClinVar variation 847108 (VCV000847108.11), dbSNP rs1768958447, ClinGen allele CA364421655.
Genomic context (GRCh38, chr6:51,638,880, plus strand): 5'-CAGAATAAAAGCACACTGTATAAAATTACCTGGAGGAGAAGTGACAGTAAAAATAAAGTG[C>T]CAGTTTGACCCAGAGATCAAGACTGCCAAGTTGTAGAAGCTAACATAACCATCTTGAGTT-3'